The following is an entry in ClinVar:

ClinVar aggregate classification (germline): Likely benign. Review status: criteria provided, single submitter (1 of 4 stars). 2 submissions from 2 submitters: Likely benign (1). 1 of the submissions does not count toward it. Last evaluated 2023-02-16.

Conditions:
PCNT-related disorder. Also called: PCNT-related condition.

Allele frequency attached by ClinVar (database versions not stated): gnomAD exomes 0.00001; ExAC 0.00002; TOPMed 0.00002; gnomAD 0.00007; 1000 Genomes Project 0.00020; 1000 Genomes Project 30x 0.00031.
gnomAD v4.1: 20 of 1,614,166 alleles (0.0012%); highest among the groups gnomAD compares: African/African-American, 0.024%; no homozygotes.

Submissions (2):

Labcorp Genetics (formerly Invitae), Labcorp
Classification: Likely benign. Last evaluated: 2023-02-16. Review status: criteria provided, single submitter. Criteria: Invitae Variant Classification Sherloc (09022015). Collection method: clinical testing. Allele origin: germline.

PreventionGenetics, part of Exact Sciences
Classification: Likely benign for PCNT-related condition. Last evaluated: 2024-03-21. Review status: no assertion criteria provided. Collection method: clinical testing. Allele origin: germline. Not counted in ClinVar's aggregate classification.
Comment: This variant is classified as likely benign based on ACMG/AMP sequence variant interpretation guidelines (Richards et al. 2015 PMID: 25741868, with internal and published modifications).

NM_006031.6(PCNT):c.8631G>A (p.Gln2877=)

Gene: PCNT (pericentrin; plus strand). Cytogenetic location: 21q22.3.
Variant type: single nucleotide variant.
Coding change: c.8631G>A on transcript NM_006031.6 (MANE Select); coding-DNA position 8631, G replaced by A.
Protein change: p.Gln2877=; no amino-acid change (glutamine 2877 retained).
Molecular consequence: synonymous variant. On other transcripts: intron variant (1).
Genome position (GRCh38, 1-based): chr21:46,432,095, G>A. VCF-style: chr21-46432095-G-A. GRCh37 (hg19) VCF-style: chr21-47852009-G-A.
Other names: c.8631G>A (NM_006031.5); c.8160+117G>A (NM_001315529.2).
Identifiers: ClinVar variation 3013834 (VCV003013834.4), dbSNP rs572725433, ClinGen allele CA10081013.